The following is an entry in ClinVar:

NM_181426.2(CCDC39):c.1818T>C (p.His606=)

Gene: CCDC39 (coiled-coil domain 39 molecular ruler complex subunit; minus strand). Cytogenetic location: 3q26.33.
Variant type: single nucleotide variant.
Coding change: c.1818T>C on transcript NM_181426.2 (MANE Select); coding-DNA position 1818, T replaced by C.
Protein change: p.His606=; no amino-acid change (histidine 606 retained).
Molecular consequence: synonymous variant.
Genome position (GRCh38, 1-based): chr3:180,642,049, A>G on the plus strand (T>C on the coding strand, the complement: CCDC39 is on the minus strand). VCF-style: chr3-180642049-A-G. GRCh37 (hg19) VCF-style: chr3-180359837-A-G.
Identifiers: ClinVar variation 344265 (VCV000344265.20), dbSNP rs199503571, ClinGen allele CA2715865.
Genomic context (GRCh38, chr3:180,642,049, plus strand): 5'-TTACCTTATGTTTTCCCGTTCTTGATCAACATATCTTATTTGTGACGCAAGCATTGTTTT[A>G]TGAACCTTGATTTCTTCAGTTCGCTCTTCCATTGCTGTGTATAATTGCTGTTTTCTTTTT-3'
Protein context (NP_852091.1, residues 596-616): MEERTEEIKV[His606=]KTMLASQIRY

ClinVar aggregate classification (germline): Conflicting classifications of pathogenicity. Review status: criteria provided, conflicting classifications (1 of 4 stars). 5 submissions from 5 submitters: Uncertain significance (1); Benign (1); Likely benign (3). Last evaluated 2026-08-01.

Conditions:
Primary ciliary dyskinesia. Also called: Ciliary dyskinesia. Identifiers: Orphanet 244, MedGen C0008780, MONDO:0016575, HP:0012265.
Primary ciliary dyskinesia 14. Also called: CILIARY DYSKINESIA, PRIMARY, 14, WITH OR WITHOUT SITUS INVERSUS. Identifiers: Orphanet 244, MedGen C3151136, MONDO:0013434, OMIM 613807.

Allele frequency attached by ClinVar (database versions not stated): 1000 Genomes Project 0.00020; TOPMed 0.00029; 1000 Genomes Project 30x 0.00031; gnomAD 0.00046; gnomAD exomes 0.00049; ExAC 0.00053; ESP Exome Variant Server 0.00059.
gnomAD v4.1: 778 of 1,609,826 alleles (0.048%); highest among the groups gnomAD compares: Non-Finnish European, 0.047%; 1 homozygote.

Submissions (5):

CeGaT Center for Human Genetics Tuebingen
Classification: Likely benign. Last evaluated: 2026-08-01. Review status: criteria provided, single submitter. Criteria: CeGaT Center For Human Genetics Tuebingen Variant Classification Criteria Version 2. Collection method: clinical testing. Allele origin: germline. Affected: yes. Observed: 1 variant allele.
Comment: CCDC39: BP4, BP7

Labcorp Genetics (formerly Invitae), Labcorp
Classification: Benign for Primary ciliary dyskinesia. Last evaluated: 2026-01-12. Review status: criteria provided, single submitter. Criteria: Invitae Variant Classification Sherloc (09022015). Collection method: clinical testing. Allele origin: germline.

Blueprint Genetics
Classification: Likely benign. Last evaluated: 2024-09-23. Review status: criteria provided, single submitter. Criteria: ACMG Guidelines, 2015. Collection method: clinical testing. Allele origin: germline.

Ambry Genetics
Classification: Likely benign for Primary ciliary dyskinesia. Last evaluated: 2022-06-12. Review status: criteria provided, single submitter. Criteria: Ambry Variant Classification Scheme 2023. Collection method: clinical testing. Allele origin: germline.

Illumina Laboratory Services, Illumina
Classification: Uncertain significance for Primary ciliary dyskinesia 14. Last evaluated: 2018-01-13. Review status: criteria provided, single submitter. Criteria: ICSL Variant Classification Criteria 13 December 2019. Collection method: clinical testing. Allele origin: germline.